The following is an entry in ClinVar:

NM_016373.4(WWOX):c.211G>A (p.Gly71Arg)

Gene: WWOX (WW domain containing oxidoreductase; plus strand). Cytogenetic location: 16q23.1.
Variant type: single nucleotide variant.
Coding change: c.211G>A on transcript NM_016373.4 (MANE Select); coding-DNA position 211, G replaced by A.
Protein change: p.Gly71Arg; replaces glycine 71 with arginine.
Molecular consequence: missense variant. On other transcripts: 5 prime UTR variant (1), non-coding transcript variant (1).
Genome position (GRCh38, 1-based): chr16:78,109,816, G>A. VCF-style: chr16-78109816-G-A. GRCh37 (hg19) VCF-style: chr16-78143713-G-A.
Other names: c.-129G>A (NM_001291997.2); c.211G>A, p.Gly71Arg (NM_130791.5); short protein forms G71R.
Identifiers: ClinVar variation 1481631 (VCV001481631.3), dbSNP rs767880120, ClinGen allele CA8183085.
Genomic context (GRCh38, chr16:78,109,816, plus strand): 5'-ACCTGTCTTTCTTGTGTTTCAGATTTGCCATACGGATGGGAACAAGAAACTGATGAGAAC[G>A]GACAAGTGTTTTTTGTTGAGTAAGTGTCTGCAAAGAAACCACTCTCAGCTGTTTTGCTTT-3'
Protein context (NP_057457.1, residues 61-81): YGWEQETDEN[Gly71Arg]QVFFVDHINK

ClinVar aggregate classification (germline): Uncertain significance (1 of 4 stars; one submission).

Conditions:
Autosomal recessive spinocerebellar ataxia 12. Also called: SPINOCEREBELLAR ATAXIA WITH MENTAL RETARDATION AND EPILEPSY. Identifiers: Orphanet 284282, MedGen C3280452, MONDO:0013687, OMIM 614322.
Developmental and epileptic encephalopathy, 1 (DEE1). Also called: Epileptic encephalopathy, early infantile, 1; X-linked infantile spasms; West's syndrome; Tonic spasms with clustering, arrest of psychomotor development and hypsarrhythmia on EEG; X-Linked Infantile Spasm Syndrome; INFANTILE SPASM SYNDROME, X-LINKED 1. Identifiers: MedGen C3463992, MONDO:0010632, OMIM 308350. Disease mechanism: loss of function.

Allele frequency attached by ClinVar (database versions not stated): gnomAD 0.00001 and 0.00003; TOPMed 0.00002; ExAC 0.00008; gnomAD exomes 0.00008; 1000 Genomes Project 30x 0.00016.
gnomAD v4.1: 61 of 1,614,096 alleles (0.0038%); highest among the groups gnomAD compares: South Asian, 0.046%; no homozygotes.

Submission:

Labcorp Genetics (formerly Invitae), Labcorp
Classification: Uncertain significance for Developmental and epileptic encephalopathy, 1; Autosomal recessive spinocerebellar ataxia 12. Last evaluated: 2021-11-17. Review status: criteria provided, single submitter. Criteria: Invitae Variant Classification Sherloc (09022015). Collection method: clinical testing. Allele origin: germline.
Comment: This sequence change replaces glycine, which is neutral and non-polar, with arginine, which is basic and polar, at codon 71 of the WWOX protein (p.Gly71Arg). This variant is present in population databases (rs767880120, gnomAD 0.05%). This variant has not been reported in the literature in individuals affected with WWOX-related conditions. Algorithms developed to predict the effect of missense changes on protein structure and function are either unavailable or do not agree on the potential impact of this missense change (SIFT: "Not Available"; PolyPhen-2: "Possibly Damaging"; Align-GVGD: "Not Available"). In summary, the available evidence is currently insufficient to determine the role of this variant in disease. Therefore, it has been classified as a Variant of Uncertain Significance.